The following is an entry in ClinVar:

ClinVar aggregate classification (germline): Uncertain significance (1 of 4 stars; one submission).

Conditions:
Hereditary cancer-predisposing syndrome. Also called: Neoplastic Syndromes, Hereditary; Hereditary Cancer Syndrome; Tumor predisposition; Hereditary neoplastic syndrome. Identifiers: Orphanet 140162, MedGen C0027672, MeSH D009386, MONDO:0015356.

Submission:

Ambry Genetics
Classification: Uncertain significance for Hereditary cancer-predisposing syndrome. Last evaluated: 2024-12-19. Review status: criteria provided, single submitter. Criteria: Ambry Variant Classification Scheme 2023. Collection method: clinical testing. Allele origin: germline.
Comment: The c.1366-3C>A intronic variant results from a C to A substitution 3 nucleotides upstream from coding exon 12 in the SUFU gene. This nucleotide position is highly conserved in available vertebrate species. In silico splice site analysis predicts that this alteration will weaken the native splice acceptor site; however, direct evidence is insufficient at this time (Ambry internal data). Based on the available evidence, the clinical significance of this variant remains unclear.

NM_016169.4(SUFU):c.1366-3C>A

Gene: SUFU (SUFU negative regulator of hedgehog signaling; plus strand). Cytogenetic location: 10q24.32.
Variant type: single nucleotide variant.
Coding change: c.1366-3C>A on transcript NM_016169.4 (MANE Select); 3 bases into the intron before coding-DNA position 1366, C replaced by A.
Molecular consequence: intron variant.
Genome position (GRCh38, 1-based): chr10:102,630,063, C>A. VCF-style: chr10-102630063-C-A. GRCh37 (hg19) VCF-style: chr10-104389820-C-A.
Identifiers: ClinVar variation 3802882 (VCV003802882.1).
Genomic context (GRCh38, chr10:102,630,063, plus strand): 5'-GAAAGACCACGGTGTATTCTGCTAACCACTCACACTCCTGGTCTGTGCTTGCTCCCTCCA[C>A]AGTTCAAACTTCCCAAAGAGTACAGCTGGCCTGAAAAGAAGCTGAAGGTCTCCATCCTGC-3'